The following is an entry in ClinVar:

NM_007118.4(TRIO):c.6489del (p.Lys2163fs)

Gene: TRIO (trio Rho guanine nucleotide exchange factor; plus strand). Cytogenetic location: 5p15.2.
Variant type: Deletion.
Coding change: c.6489del on transcript NM_007118.4 (MANE Select); coding-DNA position 6489, one base deleted (A; older notation c.6489delA).
Protein change: p.Lys2163fs; shifts the reading frame from lysine 2163.
Molecular consequence: frameshift variant. On other transcripts: non-coding transcript variant (1).
Genome position (GRCh38, 1-based): chr5:14,482,605, A deleted; the last of 3 consecutive A bases (chr5:14,482,603-14,482,605); deleting any one gives the same sequence. VCF-style (leftmost placement, unchanged base first): chr5-14482602-TA-T. GRCh37 (hg19) VCF-style: chr5-14482711-TA-T.
Other names: short protein forms K2163fs.
Identifiers: ClinVar variation 4633600 (VCV004633600.1).
Genomic context (GRCh38, chr5:14,482,602, plus strand): 5'-TCTTCTCCCCTTCCTTTTCCCCCTTTATTTCTTGTTTTAGGGGAAAATCGTTGCCCAGGG[TA>T]AACTGCTCTTGCAGGACACATTCTTGGTCACAGACCAAGATGCAGGACTTCTGCCTCGCT-3'

ClinVar aggregate classification (germline): Pathogenic (1 of 4 stars; one submission).

Conditions:
Inborn genetic diseases. Identifiers: MedGen C0950123, MeSH D030342.

Submission:

Ambry Genetics
Classification: Pathogenic for Inborn genetic diseases. Last evaluated: 2025-12-11. Review status: criteria provided, single submitter. Criteria: Ambry Variant Classification Scheme 2023. Collection method: clinical testing. Allele origin: germline.
Comment: The c.6489delA (p.K2163Nfs*58) alteration, located in exon 46 (coding exon 46) of the TRIO gene, consists of a deletion of one nucleotide at position 6489, causing a translational frameshift with a predicted alternate stop codon after 58 amino acids. This alteration is expected to result in loss of function by premature protein truncation or nonsense-mediated mRNA decay. for TRIO-related neurodevelopmental disorder with microcephaly; however, it is unlikely to be causative of TRIO-related neurodevelopmental disorder with macrocephaly. This variant was not reported in population-based cohorts in the Genome Aggregation Database (gnomAD). Based on the available evidence, this alteration is classified as pathogenic.